The following is an entry in ClinVar:

ClinVar aggregate classification (germline): Uncertain significance (1 of 4 stars; one submission).

Conditions:
Early-infantile DEE. Also called: Early infantile epileptic encephalopathy; Ohtahara syndrome; Early infantile epileptic encephalopathy with suppression bursts. Identifiers: Orphanet 1934, MedGen C0393706, MONDO:0800491.

Submission:

Labcorp Genetics (formerly Invitae), Labcorp
Classification: Uncertain significance for Early-infantile DEE. Last evaluated: 2024-03-27. Review status: criteria provided, single submitter. Criteria: Invitae Variant Classification Sherloc (09022015). Collection method: clinical testing. Allele origin: germline.
Comment: This sequence change replaces phenylalanine, which is neutral and non-polar, with leucine, which is neutral and non-polar, at codon 1822 of the SCN1A protein (p.Phe1822Leu). This variant is not present in population databases (gnomAD no frequency). This variant has not been reported in the literature in individuals affected with SCN1A-related conditions. Advanced modeling of protein sequence and biophysical properties (such as structural, functional, and spatial information, amino acid conservation, physicochemical variation, residue mobility, and thermodynamic stability) performed at Invitae indicates that this missense variant is expected to disrupt SCN1A protein function with a positive predictive value of 95%. In summary, the available evidence is currently insufficient to determine the role of this variant in disease. Therefore, it has been classified as a Variant of Uncertain Significance.

NM_001165963.4(SCN1A):c.5464T>C (p.Phe1822Leu)

Genes: SCN1A (sodium voltage-gated channel alpha subunit 1; minus strand), LOC102724058 (uncharacterized LOC102724058; plus strand). Cytogenetic location: 2q24.3.
Variant type: single nucleotide variant.
Coding change: c.5464T>C on transcript NM_001165963.4 (MANE Select); coding-DNA position 5464, T replaced by C.
Protein change: p.Phe1822Leu; replaces phenylalanine 1822 with leucine.
Molecular consequence: missense variant. On other transcripts: non-coding transcript variant (1).
Genome position (GRCh38, 1-based): chr2:165,991,811, A>G on the plus strand (T>C on the coding strand, the complement: SCN1A is on the minus strand). VCF-style: chr2-165991811-A-G. GRCh37 (hg19) VCF-style: chr2-166848321-A-G.
Other names: c.5380T>C, p.Phe1794Leu (NM_001165964.3, NM_001353957.2, NM_001353958.2); c.5464T>C, p.Phe1822Leu (NM_001202435.3, NM_001353948.2); c.5431T>C, p.Phe1811Leu (NM_001353949.2, NM_001353950.2, NM_001353951.2 and 2 more transcripts); c.5428T>C, p.Phe1810Leu (NM_001353954.2, NM_001353955.2); c.5377T>C, p.Phe1793Leu (NM_001353960.2); c.3022T>C, p.Phe1008Leu (NM_001353961.2); short protein forms F1008L, F1811L, F1794L, F1810L, F1822L, F1793L.
Identifiers: ClinVar variation 3634001 (VCV003634001.2).